The following is an entry in ClinVar:

NM_001128126.3(AP4S1):c.226-2A>G

Gene: AP4S1 (adaptor related protein complex 4 subunit sigma 1; plus strand). Cytogenetic location: 14q12.
Variant type: single nucleotide variant.
Coding change: c.226-2A>G on transcript NM_001128126.3 (MANE Select); the canonical splice acceptor site of the intron before coding-DNA position 226, A replaced by G.
Molecular consequence: splice acceptor variant.
Genome position (GRCh38, 1-based): chr14:31,072,903, A>G. VCF-style: chr14-31072903-A-G. GRCh37 (hg19) VCF-style: chr14-31542109-A-G.
Other names: c.226-2A>G (NM_001254729.2, NM_001254727.2, NM_007077.5 and 2 more transcripts).
Identifiers: ClinVar variation 1479545 (VCV001479545.8), dbSNP rs2139067616, ClinGen allele CA389360292.

ClinVar aggregate classification (germline): Likely pathogenic (1 of 4 stars; one submission).

Conditions:
Spastic paraplegia. Identifiers: MedGen C0037772, HP:0001258.

Allele frequency attached by ClinVar (database versions not stated): gnomAD exomes below 0.00001.
gnomAD v4.1: 3 of 1,611,716 alleles (0.00019%); highest among the groups gnomAD compares: Non-Finnish European, 0.00025%; no homozygotes.

Submission:

Labcorp Genetics (formerly Invitae), Labcorp
Classification: Likely pathogenic for Spastic paraplegia. Last evaluated: 2021-06-05. Review status: criteria provided, single submitter. Criteria: Invitae Variant Classification Sherloc (09022015). Collection method: clinical testing. Allele origin: germline.
Comment: This variant is not present in population databases (ExAC no frequency). In summary, the currently available evidence indicates that the variant is pathogenic, but additional data are needed to prove that conclusively. Therefore, this variant has been classified as Likely Pathogenic. Algorithms developed to predict the effect of sequence changes on RNA splicing suggest that this variant may disrupt the consensus splice site, but this prediction has not been confirmed by published transcriptional studies. This variant has not been reported in the literature in individuals with AP4S1-related conditions. This sequence change affects an acceptor splice site in intron 3 of the AP4S1 gene. It is expected to disrupt RNA splicing. Variants that disrupt the donor or acceptor splice site typically lead to a loss of protein function (PMID: 16199547), and loss-of-function variants in AP4S1 are known to be pathogenic (PMID: 21620353, 25552650, 27444738).

Literature cited by the submitters: PubMed 16199547; PubMed 21620353; PubMed 25552650; PubMed 27444738.